The following is an entry in ClinVar:

NM_133510.4(RAD51B):c.502G>C (p.Glu168Gln)

Gene: RAD51B (RAD51 paralog B; plus strand). Cytogenetic location: 14q24.1.
Variant type: single nucleotide variant.
Coding change: c.502G>C on transcript NM_133510.4 (MANE Select); coding-DNA position 502, G replaced by C.
Protein change: p.Glu168Gln; replaces glutamic acid 168 with glutamine.
Molecular consequence: missense variant.
Genome position (GRCh38, 1-based): chr14:67,885,918, G>C. VCF-style: chr14-67885918-G-C. GRCh37 (hg19) VCF-style: chr14-68352635-G-C.
Other names: c.502G>C, p.Glu168Gln (NM_001321809.2, NM_001321810.2, NM_001321812.1 and 6 more transcripts); c.388G>C, p.Glu130Gln (NM_001321815.1); c.145G>C, p.Glu49Gln (NM_001321817.2); short protein forms E130Q, E168Q, E49Q.
Identifiers: ClinVar variation 4862882 (VCV004862882.1).

ClinVar aggregate classification (germline): Uncertain significance (1 of 4 stars; one submission).

Submission:

Ambry Genetics
Classification: Uncertain significance. Last evaluated: 2026-04-12. Review status: criteria provided, single submitter. Criteria: Ambry Variant Classification Scheme 2023. Collection method: clinical testing. Allele origin: germline.
Comment: The p.E168Q variant (also known as c.502G>C), located in coding exon 5 of the RAD51B gene, results from a G to C substitution at nucleotide position 502. The glutamic acid at codon 168 is replaced by glutamine, an amino acid with highly similar properties. This amino acid position is conserved. In addition, this alteration is predicted to be tolerated by in silico analysis. Based on the available evidence, the clinical significance of this variant remains unclear.